The following is an entry in ClinVar:

ClinVar aggregate classification (germline): Uncertain significance (1 of 4 stars; one submission).

gnomAD v4.1: 1 of 1,181,660 alleles (0.000085%); highest among the groups gnomAD compares: East Asian, 0.0038%; no homozygotes.

Submission:

Labcorp Genetics (formerly Invitae), Labcorp
Classification: Uncertain significance. Last evaluated: 2020-11-24. Review status: criteria provided, single submitter. Criteria: Invitae Variant Classification Sherloc (09022015). Collection method: clinical testing. Allele origin: germline.
Comment: In summary, the available evidence is currently insufficient to determine the role of this variant in disease. Therefore, it has been classified as a Variant of Uncertain Significance. Algorithms developed to predict the effect of missense changes on protein structure and function output the following: SIFT: "Tolerated"; PolyPhen-2: "Benign"; Align-GVGD: "Class C0". The threonine amino acid residue is found in multiple mammalian species, suggesting that this missense change does not adversely affect protein function. These predictions have not been confirmed by published functional studies and their clinical significance is uncertain. This variant has not been reported in the literature in individuals with ATOH7-related conditions. The frequency data for this variant in the population databases is considered unreliable, as metrics indicate insufficient coverage at this position in the ExAC database. This sequence change replaces alanine with threonine at codon 30 of the ATOH7 protein (p.Ala30Thr). The alanine residue is moderately conserved and there is a small physicochemical difference between alanine and threonine.

NM_145178.4(ATOH7):c.88G>A (p.Ala30Thr)

Genes: ATOH7 (atonal bHLH transcription factor 7; minus strand), LOC130003943 (ATAC-STARR-seq lymphoblastoid silent region 2418; plus strand). Cytogenetic location: 10q21.3.
Variant type: single nucleotide variant.
Coding change: c.88G>A on transcript NM_145178.4 (MANE Select); coding-DNA position 88, G replaced by A.
Protein change: p.Ala30Thr; replaces alanine 30 with threonine.
Molecular consequence: missense variant.
Genome position (GRCh38, 1-based): chr10:68,231,590, C>T on the plus strand (G>A on the coding strand, the complement: ATOH7 is on the minus strand). VCF-style: chr10-68231590-C-T. GRCh37 (hg19) VCF-style: chr10-69991347-C-T.
Other names: short protein forms A30T.
Identifiers: ClinVar variation 1493196 (VCV001493196.8), dbSNP rs2044028014, ClinGen allele CA376837525.